The following is an entry in ClinVar:

NM_001349253.2(SCN11A):c.4873A>G (p.Ile1625Val)

Gene: SCN11A (sodium voltage-gated channel alpha subunit 11; minus strand). Cytogenetic location: 3p22.2.
Variant type: single nucleotide variant.
Coding change: c.4873A>G on transcript NM_001349253.2 (MANE Select); coding-DNA position 4873, A replaced by G.
Protein change: p.Ile1625Val; replaces isoleucine 1625 with valine.
Molecular consequence: missense variant.
Genome position (GRCh38, 1-based): chr3:38,847,197, T>C on the plus strand (A>G on the coding strand, the complement: SCN11A is on the minus strand). VCF-style: chr3-38847197-T-C. GRCh37 (hg19) VCF-style: chr3-38888688-T-C.
Other names: c.4873A>G, p.Ile1625Val (NM_014139.3); short protein forms I1625V.
Identifiers: ClinVar variation 3748555 (VCV003748555.2).

ClinVar aggregate classification (germline): Uncertain significance (1 of 4 stars; one submission).

Conditions:
Hereditary sensory and autonomic neuropathy type 7. Also called: HSAN VII; Neuropathy, hereditary sensory and autonomic, type VII. Identifiers: Orphanet 391397, MedGen C3809882, MONDO:0014244, OMIM 615548.
Familial episodic pain syndrome with predominantly lower limb involvement. Also called: Episodic pain syndrome, familial, 3. Identifiers: Orphanet 391384, Orphanet 391392, MedGen C3809899, MONDO:0014247, OMIM 615552.

Submission:

Labcorp Genetics (formerly Invitae), Labcorp
Classification: Uncertain significance for Familial episodic pain syndrome with predominantly lower limb involvement; Hereditary sensory and autonomic neuropathy type 7. Last evaluated: 2024-02-23. Review status: criteria provided, single submitter. Criteria: Invitae Variant Classification Sherloc (09022015). Collection method: clinical testing. Allele origin: germline.
Comment: This sequence change replaces isoleucine, which is neutral and non-polar, with valine, which is neutral and non-polar, at codon 1625 of the SCN11A protein (p.Ile1625Val). This variant is not present in population databases (gnomAD no frequency). This variant has not been reported in the literature in individuals affected with SCN11A-related conditions. Advanced modeling of protein sequence and biophysical properties (such as structural, functional, and spatial information, amino acid conservation, physicochemical variation, residue mobility, and thermodynamic stability) performed at Invitae indicates that this missense variant is not expected to disrupt SCN11A protein function with a negative predictive value of 80%. In summary, the available evidence is currently insufficient to determine the role of this variant in disease. Therefore, it has been classified as a Variant of Uncertain Significance.